The following is an entry in ClinVar:

NM_006312.6(NCOR2):c.7188C>T (p.Gly2396=)

Gene: NCOR2 (nuclear receptor corepressor 2; minus strand). Cytogenetic location: 12q24.31.
Variant type: single nucleotide variant.
Coding change: c.7188C>T on transcript NM_006312.6 (MANE Select); coding-DNA position 7188, C replaced by T.
Protein change: p.Gly2396=; no amino-acid change (glycine 2396 retained).
Molecular consequence: synonymous variant.
Genome position (GRCh38, 1-based): chr12:124,326,366, G>A on the plus strand (C>T on the coding strand, the complement: NCOR2 is on the minus strand). VCF-style: chr12-124326366-G-A. GRCh37 (hg19) VCF-style: chr12-124810912-G-A.
Other names: c.7020C>T, p.Gly2340= (NM_001077261.4); c.7158C>T, p.Gly2386= (NM_001206654.2).
Identifiers: ClinVar variation 3044510 (VCV003044510.2), dbSNP rs749361594, ClinGen allele CA6867177.

ClinVar aggregate classification (germline): Likely benign (0 of 4 stars; one submission).

Conditions:
NCOR2-related disorder. Also called: NCOR2-related condition.

Allele frequency attached by ClinVar (database versions not stated): gnomAD exomes 0.00001; ExAC 0.00005; TOPMed 0.00009; gnomAD 0.00010.
gnomAD v4.1: 36 of 1,488,928 alleles (0.0024%); highest among the groups gnomAD compares: African/African-American, 0.039%; no homozygotes.

Submission:

PreventionGenetics, part of Exact Sciences
Classification: Likely benign for NCOR2-related condition. Last evaluated: 2019-05-28. Review status: no assertion criteria provided. Collection method: clinical testing. Allele origin: germline.
Comment: This variant is classified as likely benign based on ACMG/AMP sequence variant interpretation guidelines (Richards et al. 2015 PMID: 25741868, with internal and published modifications).